The following is an entry in ClinVar:

ClinVar aggregate classification (germline): Pathogenic/Likely pathogenic. Review status: criteria provided, multiple submitters, no conflicts (2 of 4 stars). 3 submissions from 3 submitters: Pathogenic (1); Likely pathogenic (2). Last evaluated 2026-03-16.

Conditions:
Maple syrup urine disease (MSUD). Identifiers: Orphanet 511, MedGen C0024776, MeSH D008375, MONDO:0009563. Disease mechanism: loss of function.
Maple syrup urine disease type 1A (MSUD1A). Also called: MSUD type 1A. Identifiers: MedGen C1855369, MONDO:0023691, OMIM 248600.

Allele frequency attached by ClinVar (database versions not stated): gnomAD 0.00001; gnomAD exomes below 0.00001.

Submissions (3):

Dasa
Classification: Likely pathogenic. Last evaluated: 2026-03-16. Review status: criteria provided, single submitter. Criteria: DASA Assertion Criteria. Collection method: clinical testing. Allele origin: germline.
Comment: NM_001918.5(DBT):c.1281+1G>T affects a canonical splice site and is predicted to disrupt normal RNA splicing. Loss of function is an established disease mechanism for DBT-associated disorders. This variant has been reported in individuals with DBT-related disorders (PMID: 27117295). Also, this variant is rare in population databases. Based on the currently available evidence, this variant is classified as likely pathogenic.

Dubai Health Genomic Medicine Center, Dubai Health
Classification: Likely pathogenic for Maple syrup urine disease. Last evaluated: 2024-10-04. Review status: criteria provided, single submitter. Criteria: ACMG Guidelines, 2015. Collection method: research. Allele origin: germline. Affected: yes.
Comment: PVS1,PM2

Department of Genetics, Sultan Qaboos University Hospital
Classification: Pathogenic for Maple syrup urine disease type 1A. Last evaluated: 2024-06-12. Review status: criteria provided, single submitter. Criteria: ACMG Guidelines, 2015. Collection method: clinical testing. Allele origin: unknown. Affected: yes.

Literature cited by the submitters: PubMed 27117295 (cited by Dasa).

NM_001918.5(DBT):c.1281+1G>T

Gene: DBT (dihydrolipoamide branched chain transacylase E2; minus strand). Cytogenetic location: 1p21.2.
Variant type: single nucleotide variant.
Coding change: c.1281+1G>T on transcript NM_001918.5 (MANE Select); the canonical splice donor site of the intron after coding-DNA position 1281, G replaced by T.
Molecular consequence: splice donor variant.
Genome position (GRCh38, 1-based): chr1:100,206,229, C>A on the plus strand (G>T on the coding strand, the complement: DBT is on the minus strand). VCF-style: chr1-100206229-C-A. GRCh37 (hg19) VCF-style: chr1-100671785-C-A.
Other names: c.738+1G>T (NM_001399972.1, NM_001399969.1); c.1281+1G>T (NM_001918.4).
Identifiers: ClinVar variation 623330 (VCV000623330.6), dbSNP rs1557943881, ClinGen allele CA341329699.
Genomic context (GRCh38, chr1:100,206,229, plus strand): 5'-TCATTGTGTTTAGTCCCTGAATTTGCTTAAACTCCATTTTTCAGTTATCTAATACATGTA[C>A]CTTAATTGATCCAAGGGCCCCAATGGCTACTTCAGGTGGCATTATCACTGGTTTGGCAAA-3'